The following is an entry in ClinVar:

ClinVar aggregate classification (germline): Uncertain significance. Review status: criteria provided, multiple submitters, no conflicts (2 of 4 stars). 2 submissions from 2 submitters: Uncertain significance (2). Last evaluated 2026-01-12.

Conditions:
FG syndrome (FGS). Identifiers: MedGen C0220769, MONDO:0002010.
Familial thoracic aortic aneurysm and aortic dissection (TAAD). Also called: Thoracic aortic aneurysms and dissections. Identifiers: Orphanet 91387, MedGen C4707243, MONDO:0019625.

Allele frequency attached by ClinVar (database versions not stated): gnomAD exomes 0.00001.
gnomAD v4.1: 8 of 1,210,797 alleles (0.00066%); highest among the groups gnomAD compares: East Asian, 0.003%; no homozygotes.

Submissions (2):

Labcorp Genetics (formerly Invitae), Labcorp
Classification: Uncertain significance for FG syndrome. Last evaluated: 2026-01-12. Review status: criteria provided, single submitter. Criteria: Invitae Variant Classification Sherloc (09022015). Collection method: clinical testing. Allele origin: germline.
Comment: This sequence change replaces arginine, which is basic and polar, with glutamine, which is neutral and polar, at codon 590 of the MED12 protein (p.Arg590Gln). This variant is not present in population databases (gnomAD no frequency). This variant has not been reported in the literature in individuals affected with MED12-related conditions. ClinVar contains an entry for this variant (Variation ID: 2065749). Invitae Evidence Modeling of protein sequence and biophysical properties (such as structural, functional, and spatial information, amino acid conservation, physicochemical variation, residue mobility, and thermodynamic stability) indicates that this missense variant is not expected to disrupt MED12 protein function with a negative predictive value of 95%. In summary, the available evidence is currently insufficient to determine the role of this variant in disease. Therefore, it has been classified as a Variant of Uncertain Significance.

Ambry Genetics
Classification: Uncertain significance for Familial thoracic aortic aneurysm and aortic dissection. Last evaluated: 2023-12-07. Review status: criteria provided, single submitter. Criteria: Ambry Variant Classification Scheme 2023. Collection method: clinical testing. Allele origin: germline.
Comment: The p.R590Q variant (also known as c.1769G>A), located in coding exon 13 of the MED12 gene, results from a G to A substitution at nucleotide position 1769. The arginine at codon 590 is replaced by glutamine, an amino acid with highly similar properties. This amino acid position is conserved. In addition, this alteration is predicted to be tolerated by in silico analysis. Since supporting evidence is limited at this time, the clinical significance of this alteration remains unclear.

NM_005120.3(MED12):c.1769G>A (p.Arg590Gln)

Gene: MED12 (mediator complex subunit 12; plus strand). Cytogenetic location: Xq13.1.
Variant type: single nucleotide variant.
Coding change: c.1769G>A on transcript NM_005120.3 (MANE Select); coding-DNA position 1769, G replaced by A.
Protein change: p.Arg590Gln; replaces arginine 590 with glutamine.
Molecular consequence: missense variant.
Genome position (GRCh38, 1-based): chrX:71,124,183, G>A. VCF-style: chrX-71124183-G-A. GRCh37 (hg19) VCF-style: chrX-70344033-G-A.
Other names: c.1769G>A (NM_005120.2); short protein forms R590Q.
Identifiers: ClinVar variation 2065749 (VCV002065749.5), dbSNP rs2519675209, ClinGen allele CA413508961.